The following is an entry in ClinVar:

ClinVar aggregate classification (germline): Uncertain significance (1 of 4 stars; one submission).

Conditions:
Early-infantile DEE. Also called: Ohtahara syndrome; Early infantile epileptic encephalopathy with suppression bursts; Early infantile epileptic encephalopathy. Identifiers: Orphanet 1934, MedGen C0393706, MONDO:0800491.

Allele frequency attached by ClinVar (database versions not stated): gnomAD exomes below 0.00001.
gnomAD v4.1: 2 of 1,614,034 alleles (0.00012%); highest among the groups gnomAD compares: Non-Finnish European, 0.000085%; no homozygotes.

Submission:

Labcorp Genetics (formerly Invitae), Labcorp
Classification: Uncertain significance for Early-infantile DEE. Last evaluated: 2022-09-06. Review status: criteria provided, single submitter. Criteria: Invitae Variant Classification Sherloc (09022015). Collection method: clinical testing. Allele origin: germline.
Comment: This sequence change replaces tyrosine, which is neutral and polar, with cysteine, which is neutral and slightly polar, at codon 1095 of the SCN1A protein (p.Tyr1095Cys). In summary, the available evidence is currently insufficient to determine the role of this variant in disease. Therefore, it has been classified as a Variant of Uncertain Significance. Algorithms developed to predict the effect of missense changes on protein structure and function are either unavailable or do not agree on the potential impact of this missense change (SIFT: "Deleterious"; PolyPhen-2: "Benign"; Align-GVGD: "Class C0"). ClinVar contains an entry for this variant (Variation ID: 964594). This variant has not been reported in the literature in individuals affected with SCN1A-related conditions. This variant is present in population databases (no rsID available, gnomAD 0.0009%).

NM_001165963.4(SCN1A):c.3284A>G (p.Tyr1095Cys)

Genes: SCN1A (sodium voltage-gated channel alpha subunit 1; minus strand), LOC102724058 (uncharacterized LOC102724058; plus strand). Cytogenetic location: 2q24.3.
Variant type: single nucleotide variant.
Coding change: c.3284A>G on transcript NM_001165963.4 (MANE Select); coding-DNA position 3284, A replaced by G.
Protein change: p.Tyr1095Cys; replaces tyrosine 1095 with cysteine.
Molecular consequence: missense variant. On other transcripts: non-coding transcript variant (2).
Genome position (GRCh38, 1-based): chr2:166,036,193, T>C on the plus strand (A>G on the coding strand, the complement: SCN1A is on the minus strand). VCF-style: chr2-166036193-T-C. GRCh37 (hg19) VCF-style: chr2-166892703-T-C.
Other names: c.3200A>G, p.Tyr1067Cys (NM_001165964.3, NM_001353957.2, NM_001353958.2); c.3284A>G, p.Tyr1095Cys (NM_001202435.3, NM_001353948.2); c.3251A>G, p.Tyr1084Cys (NM_001353949.2, NM_001353950.2, NM_001353951.2 and 2 more transcripts); c.3248A>G, p.Tyr1083Cys (NM_001353954.2, NM_001353955.2); c.3197A>G, p.Tyr1066Cys (NM_001353960.2); c.842A>G, p.Tyr281Cys (NM_001353961.2); short protein forms Y1083C, Y1084C, Y281C, Y1067C, Y1066C, Y1095C.
Identifiers: ClinVar variation 964594 (VCV000964594.11), dbSNP rs1188507636, ClinGen allele CA349059398.